The following is an entry in ClinVar:

ClinVar aggregate classification (germline): Likely benign. Review status: criteria provided, single submitter (1 of 4 stars). 2 submissions from 2 submitters: Likely benign (1). 1 of the submissions does not count toward it. Last evaluated 2024-10-28.

Conditions:
LTBP3-related disorder. Also called: LTBP3-related condition.

Submissions (2):

Blueprint Genetics
Classification: Likely benign. Last evaluated: 2024-10-28. Review status: criteria provided, single submitter. Criteria: ACMG Guidelines, 2015. Collection method: clinical testing. Allele origin: germline.

PreventionGenetics, part of Exact Sciences
Classification: Likely benign for LTBP3-related condition. Last evaluated: 2020-12-16. Review status: no assertion criteria provided. Collection method: clinical testing. Allele origin: germline. Not counted in ClinVar's aggregate classification.
Comment: This variant is classified as likely benign based on ACMG/AMP sequence variant interpretation guidelines (Richards et al. 2015 PMID: 25741868, with internal and published modifications).

NM_001130144.3(LTBP3):c.3911GACGCCGCC[1] (p.Ter1304=)

Gene: LTBP3 (latent transforming growth factor beta binding protein 3; minus strand). Cytogenetic location: 11q13.1.
Variant type: Microsatellite.
Coding change: c.3911GACGCCGCC[1] on transcript NM_001130144.3 (MANE Select); one copy of the 9-base unit GACGCCGCC starting at c.3911; the reference has two copies in a row; one copy, 9 bases deleted.
Protein change: p.Ter1304=.
Molecular consequence: no sequence alteration.
Genome position (GRCh38, 1-based): chr11:65,539,064-65,539,072, GGCGGCGTC deleted on the plus strand (GACGCCGCC on the coding strand, the reverse complement: LTBP3 is on the minus strand); deleting any 9 consecutive bases within chr11:65,539,064-65,539,081 gives the same sequence; the position shown is the placement nearest the transcript's 3' end. VCF-style (leftmost placement, unchanged base first): chr11-65539063-GGGCGGCGTC-G. GRCh37 (hg19) VCF-style: chr11-65306534-GGGCGGCGTC-G.
Other names: c.3419GACGCCGCC[1], p.Ter1140= (NM_001164266.1); c.3770GACGCCGCC[1], p.Ter1257= (NM_021070.4).
Identifiers: ClinVar variation 3043750 (VCV003043750.3), dbSNP rs539110133, ClinGen allele CA6100158.